The following is an entry in ClinVar:

NM_032737.4(LMNB2):c.692G>A (p.Arg231Gln)

Gene: LMNB2 (lamin B2; minus strand). Cytogenetic location: 19p13.3.
Variant type: single nucleotide variant.
Coding change: c.692G>A on transcript NM_032737.4 (MANE Select); coding-DNA position 692, G replaced by A.
Protein change: p.Arg231Gln; replaces arginine 231 with glutamine.
Molecular consequence: missense variant.
Genome position (GRCh38, 1-based): chr19:2,435,164, C>T on the plus strand (G>A on the coding strand, the complement: LMNB2 is on the minus strand). VCF-style: chr19-2435164-C-T. GRCh37 (hg19) VCF-style: chr19-2435162-C-T.
Other names: short protein forms R231Q.
Identifiers: ClinVar variation 1392073 (VCV001392073.6), dbSNP rs754946662, ClinGen allele CA9067796.

ClinVar aggregate classification (germline): Uncertain significance (1 of 4 stars; one submission).

Conditions:
Lipodystrophy, partial, acquired, susceptibility to (APLD). Also called: APLD, SUSCEPTIBILITY TO. Identifiers: MedGen C3887501, MONDO:0100476, OMIM 608709.
Progressive myoclonic epilepsy type 9. Identifiers: Orphanet 457265, MedGen C4225289, MONDO:0014685, OMIM 616540.

Allele frequency attached by ClinVar (database versions not stated): ExAC 0.00003; gnomAD exomes 0.00004; TOPMed 0.00005; gnomAD 0.00013 and 0.00014.
gnomAD v4.1: 34 of 1,602,030 alleles (0.0021%); highest among the groups gnomAD compares: Admixed American, 0.035%; no homozygotes.

Submission:

Labcorp Genetics (formerly Invitae), Labcorp
Classification: Uncertain significance for Progressive myoclonic epilepsy type 9; Lipodystrophy, partial, acquired, susceptibility to. Last evaluated: 2022-08-16. Review status: criteria provided, single submitter. Criteria: Invitae Variant Classification Sherloc (09022015). Collection method: clinical testing. Allele origin: germline.
Comment: ClinVar contains an entry for this variant (Variation ID: 1392073). This variant has not been reported in the literature in individuals affected with LMNB2-related conditions. This variant is present in population databases (rs754946662, gnomAD 0.01%). This sequence change replaces arginine, which is basic and polar, with glutamine, which is neutral and polar, at codon 231 of the LMNB2 protein (p.Arg231Gln). In summary, the available evidence is currently insufficient to determine the role of this variant in disease. Therefore, it has been classified as a Variant of Uncertain Significance. Algorithms developed to predict the effect of sequence changes on RNA splicing suggest that this variant may disrupt the consensus splice site. Algorithms developed to predict the effect of missense changes on protein structure and function (SIFT, PolyPhen-2, Align-GVGD) all suggest that this variant is likely to be tolerated.